The following is an entry in ClinVar:

NM_016616.5(NME8):c.622_623inv (p.Cys208His)

Gene: NME8 (NME/NM23 family member 8; plus strand). Cytogenetic location: 7p14.1.
Variant type: Inversion.
Coding change: c.622_623inv on transcript NM_016616.5 (MANE Select).
Protein change: p.Cys208His; replaces cysteine 208 with histidine.
Molecular consequence: missense variant.
Genome position: GRCh38 VCF-style: chr7-37867702-TG-CA. GRCh37 (hg19) VCF-style: chr7-37907304-TG-CA.
Other names: short protein forms C208H.
Identifiers: ClinVar variation 2798248 (VCV002798248.3), ClinGen allele CA2739266396.

ClinVar aggregate classification (germline): Uncertain significance (1 of 4 stars; one submission).

Conditions:
Primary ciliary dyskinesia 6. Also called: Primary Ciliary Dyskinesia 6: TXNDC3-Related Primary Ciliary Dyskinesia. Identifiers: Orphanet 244, MedGen C1970506, MONDO:0012571, OMIM 610852.

Submission:

Labcorp Genetics (formerly Invitae), Labcorp
Classification: Uncertain significance for Primary ciliary dyskinesia 6. Last evaluated: 2024-02-07. Review status: criteria provided, single submitter. Criteria: Invitae Variant Classification Sherloc (09022015). Collection method: clinical testing. Allele origin: germline.
Comment: This sequence change replaces cysteine, which is neutral and slightly polar, with histidine, which is basic and polar, at codon 208 of the NME8 protein (p.Cys208His). The frequency data for this variant in the population databases is considered unreliable, as metrics indicate poor data quality at this position in the gnomAD database. This variant has not been reported in the literature in individuals affected with NME8-related conditions. An algorithm developed to predict the effect of missense changes on protein structure and function (PolyPhen-2) suggests that this variant is likely to be tolerated. In summary, the available evidence is currently insufficient to determine the role of this variant in disease. Therefore, it has been classified as a Variant of Uncertain Significance.